The following is an entry in ClinVar:

NM_015215.4(CAMTA1):c.1899C>A (p.Ser633Arg)

Gene: CAMTA1 (calmodulin binding transcription activator 1; plus strand). Cytogenetic location: 1p36.23.
Variant type: single nucleotide variant.
Coding change: c.1899C>A on transcript NM_015215.4 (MANE Select); coding-DNA position 1899, C replaced by A.
Protein change: p.Ser633Arg; replaces serine 633 with arginine.
Molecular consequence: missense variant.
Genome position (GRCh38, 1-based): chr1:7,664,446, C>A. VCF-style: chr1-7664446-C-A. GRCh37 (hg19) VCF-style: chr1-7724506-C-A.
Other names: c.1809C>A, p.Ser603Arg (NM_001349608.2, NM_001349612.2); c.1899C>A, p.Ser633Arg (NM_001349609.2, NM_001349610.2, NM_001410737.1); c.1827C>A, p.Ser609Arg (NM_001410738.1); short protein forms S603R, S609R, S633R.
Identifiers: ClinVar variation 3650804 (VCV003650804.2).
Genomic context (GRCh38, chr1:7,664,446, plus strand): 5'-CCCGAGCTTCTTCCTGCAGGACGCCAGCAAACCCCTCCCCGTCGAGCAGAACACCCACAG[C>A]AGCCTGAGTGACTCTGGGGGCACCTTCGTGATGCCCACGGTGAAAACGGAGGCCTCGTCC-3'
Protein context (NP_056030.1, residues 623-643): KPLPVEQNTH[Ser633Arg]SLSDSGGTFV

ClinVar aggregate classification (germline): Uncertain significance (1 of 4 stars; one submission).

gnomAD v4.1: 1 of 1,613,496 alleles (0.000062%); highest among the groups gnomAD compares: Non-Finnish European, 0.000085%; no homozygotes.

Submission:

Labcorp Genetics (formerly Invitae), Labcorp
Classification: Uncertain significance. Last evaluated: 2025-10-02. Review status: criteria provided, single submitter. Criteria: Invitae Variant Classification Sherloc (09022015). Collection method: clinical testing. Allele origin: germline.
Comment: This sequence change replaces serine, which is neutral and polar, with arginine, which is basic and polar, at codon 633 of the CAMTA1 protein (p.Ser633Arg). This variant is not present in population databases (gnomAD no frequency). This variant has not been reported in the literature in individuals affected with CAMTA1-related conditions. ClinVar contains an entry for this variant (Variation ID: 3650804). Invitae Evidence Modeling of protein sequence and biophysical properties (such as structural, functional, and spatial information, amino acid conservation, physicochemical variation, residue mobility, and thermodynamic stability) indicates that this missense variant is not expected to disrupt CAMTA1 protein function with a negative predictive value of 80%. In summary, the available evidence is currently insufficient to determine the role of this variant in disease. Therefore, it has been classified as a Variant of Uncertain Significance.